The following is an entry in ClinVar:

ClinVar aggregate classification (germline): Uncertain significance (1 of 4 stars; one submission).

Conditions:
PHIP-related disorder. Also called: PHIP-related condition; PHIP-related disorders.

gnomAD v4.1: 4 of 1,612,988 alleles (0.00025%); highest among the groups gnomAD compares: Admixed American, 0.0017%; no homozygotes.

Submission:

PreventionGenetics, part of Exact Sciences
Classification: Uncertain significance for PHIP-related condition. Last evaluated: 2025-04-21. Review status: criteria provided, single submitter. Criteria: ACMG Guidelines, 2015. Collection method: clinical testing. Allele origin: germline.
Comment: The PHIP c.4804A>G variant is predicted to result in the amino acid substitution p.Lys1602Glu. To our knowledge, this variant has not been reported in the literature or in a large population database (gnomAD), indicating this variant is rare. At this time, the clinical significance of this variant is uncertain due to the absence of conclusive functional and genetic evidence.

NM_017934.7(PHIP):c.4804A>G (p.Lys1602Glu)

Genes: IRAK1BP1 (interleukin 1 receptor associated kinase 1 binding protein 1; plus strand), PHIP (PHIP subunit of CUL4-Ring ligase complex; minus strand). Cytogenetic location: 6q14.1.
Variant type: single nucleotide variant.
Coding change: c.4804A>G on transcript NM_017934.7 (MANE Select); coding-DNA position 4804, A replaced by G.
Protein change: p.Lys1602Glu; replaces lysine 1602 with glutamic acid.
Molecular consequence: missense variant.
Genome position (GRCh38, 1-based): chr6:78,945,324, T>C on the plus strand (A>G on the coding strand, the complement: PHIP is on the minus strand). VCF-style: chr6-78945324-T-C. GRCh37 (hg19) VCF-style: chr6-79655041-T-C.
Other names: short protein forms K1602E.
Identifiers: ClinVar variation 4978705 (VCV004978705.1).